The following is an entry in ClinVar:

NM_004380.3(CREBBP):c.3006A>T (p.Gln1002His)

Gene: CREBBP (CREB binding lysine acetyltransferase; minus strand). Cytogenetic location: 16p13.3.
Variant type: single nucleotide variant.
Coding change: c.3006A>T on transcript NM_004380.3 (MANE Select); coding-DNA position 3006, A replaced by T.
Protein change: p.Gln1002His; replaces glutamine 1002 with histidine.
Molecular consequence: missense variant.
Genome position (GRCh38, 1-based): chr16:3,769,228, T>A on the plus strand (A>T on the coding strand, the complement: CREBBP is on the minus strand). VCF-style: chr16-3769228-T-A. GRCh37 (hg19) VCF-style: chr16-3819229-T-A.
Other names: c.2892A>T, p.Gln964His (NM_001079846.1); short protein forms Q1002H, Q964H.
Identifiers: ClinVar variation 3348517 (VCV003348517.1).

ClinVar aggregate classification (germline): Uncertain significance (0 of 4 stars; one submission).

Conditions:
CREBBP-related disorder. Also called: CREBBP-related condition; CREBBP-related disorders.

gnomAD v4.1: 3 of 1,614,134 alleles (0.00019%); highest among the groups gnomAD compares: African/African-American, 0.004%; no homozygotes.

Submission:

PreventionGenetics, part of Exact Sciences
Classification: Uncertain significance for CREBBP-related condition. Last evaluated: 2024-04-02. Review status: no assertion criteria provided. Collection method: clinical testing. Allele origin: germline.
Comment: The CREBBP c.3006A>T variant is predicted to result in the amino acid substitution p.Gln1002His. To our knowledge, this variant has not been reported in the literature or in a large population database, indicating this variant is rare. At this time, the clinical significance of this variant is uncertain due to the absence of conclusive functional and genetic evidence.